The following is an entry in ClinVar:

NM_018051.5(DYNC2I1):c.772_775del (p.Glu258fs)

Gene: DYNC2I1 (dynein 2 intermediate chain 1; plus strand). Cytogenetic location: 7q36.3.
Variant type: Deletion.
Coding change: c.772_775del on transcript NM_018051.5 (MANE Select); coding-DNA positions 772 to 775, 4 bases deleted (GAAA; older notation c.772_775delGAAA).
Protein change: p.Glu258fs; shifts the reading frame from glutamic acid 258.
Molecular consequence: frameshift variant. On other transcripts: 5 prime UTR variant (3).
Genome position (GRCh38, 1-based): chr7:158,879,882-158,879,885, GAAA deleted; deleting any 4 consecutive bases within chr7:158,879,879-158,879,885 gives the same sequence; the c. name uses the placement nearest the transcript's 3' end. VCF-style (leftmost placement, unchanged base first): chr7-158879878-TAAAG-T. GRCh37 (hg19) VCF-style: chr7-158672569-TAAAG-T.
Other names: c.634_637del, p.Glu212fs (NM_001350914.2); c.255_258del, p.Lys86fs (NM_001350915.2); c.-587_-584del (NM_001350916.2); c.-595_-592del (NM_001350917.2); c.-714_-711del (NM_001350918.2); c.772_775delGAAA (NM_018051.5); short protein forms E212fs, E258fs, K86fs.
Identifiers: ClinVar variation 917969 (VCV000917969.1), dbSNP rs1843823774, ClinGen allele CA1109392323.

ClinVar aggregate classification (germline): Likely pathogenic (0 of 4 stars; one submission).

Conditions:
Short-rib thoracic dysplasia 8 with or without polydactyly (SRTD8). Also called: SHORT-RIB THORACIC DYSPLASIA 8 WITH POLYDACTYLY. Identifiers: Orphanet 93271, MedGen C3809691, MONDO:0014214, OMIM 615503.

Submission:

Genomic Medicine Center of Excellence, King Faisal Specialist Hospital and Research Centre
Classification: Likely pathogenic for Short-rib thoracic dysplasia 8 with or without polydactyly. Review status: no assertion criteria provided. Collection method: research. Allele origin: germline. Affected: yes.
Comment: It was observed with the other variant NM_018051.5:c.899G>T